The following is an entry in ClinVar:

NM_018116.4(MSTO1):c.989G>A (p.Ser330Asn)

Gene: MSTO1 (misato mitochondrial distribution and morphology regulator 1; plus strand). Cytogenetic location: 1q22.
Variant type: single nucleotide variant.
Coding change: c.989G>A on transcript NM_018116.4 (MANE Select); coding-DNA position 989, G replaced by A.
Protein change: p.Ser330Asn; replaces serine 330 with asparagine.
Molecular consequence: missense variant. On other transcripts: non-coding transcript variant (6).
Genome position (GRCh38, 1-based): chr1:155,612,866, G>A. VCF-style: chr1-155612866-G-A. GRCh37 (hg19) VCF-style: chr1-155582657-G-A.
Other names: c.989G>A, p.Ser330Asn (NM_001256532.1, NM_001256533.1, NM_001350772.1 and 3 more transcripts); c.824G>A, p.Ser275Asn (NM_001350776.1); c.458G>A, p.Ser153Asn (NM_001350777.1, NM_001350778.1, NM_001350779.1); c.455G>A, p.Ser152Asn (NM_001350780.1, NM_001350781.1, NM_001350782.1 and 3 more transcripts); c.446G>A, p.Ser149Asn (NM_001350784.1, NM_001350785.1, NM_001350787.1 and 1 more transcripts); c.989G>A (NM_018116.2); short protein forms S149N, S152N, S153N, S275N, S330N.
Identifiers: ClinVar variation 2579626 (VCV002579626.2), dbSNP rs2525447351, ClinGen allele CA342759325.
Genomic context (GRCh38, chr1:155,612,866, plus strand): 5'-GCCTGAGGCCAAGTGCCCATCTTGGTGTCTTCTTACAGGCCACTCTGCCCTTCCACTGCA[G>A]TGCCATCCTGGCTACAGCCCTGGACACAGTCACTGTTCCTTATCGCCTGTGTTCCTCTCC-3'
Protein context (NP_060586.2, residues 320-340): HYDATLPFHC[Ser330Asn]AILATALDTV

ClinVar aggregate classification (germline): Uncertain significance. Review status: criteria provided, multiple submitters, no conflicts (2 of 4 stars). 2 submissions from 2 submitters: Uncertain significance (2). Last evaluated 2025-08-22.

Conditions:
Inborn genetic diseases. Identifiers: MedGen C0950123, MeSH D030342.

Submissions (2):

Ambry Genetics
Classification: Uncertain significance for Inborn genetic diseases. Last evaluated: 2025-08-22. Review status: criteria provided, single submitter. Criteria: Ambry Variant Classification Scheme 2023. Collection method: clinical testing. Allele origin: germline.

GeneDx
Classification: Uncertain significance. Last evaluated: 2023-03-10. Review status: criteria provided, single submitter. Criteria: GeneDx Variant Classification Process June 2021. Collection method: clinical testing. Allele origin: germline. Affected: yes.
Comment: Not observed at significant frequency in large population cohorts (gnomAD); In silico analysis supports that this missense variant has a deleterious effect on protein structure/function; In silico analysis is inconclusive as to whether the variant alters gene splicing. In the absence of RNA/functional studies, the actual effect of this sequence change is unknown.; Has not been previously published as pathogenic or benign to our knowledge